The following is an entry in ClinVar:

ClinVar aggregate classification (germline): Likely benign (0 of 4 stars; one submission).

Conditions:
AKAP11-related disorder. Also called: AKAP11-related condition.

Allele frequency attached by ClinVar (database versions not stated): 1000 Genomes Project 30x 0.00016; 1000 Genomes Project 0.00020; ExAC 0.00087; gnomAD 0.00112; TOPMed 0.00120; ESP Exome Variant Server 0.00123; gnomAD exomes 0.00164.
gnomAD v4.1: 2,548 of 1,614,120 alleles (0.16%); highest among the groups gnomAD compares: Non-Finnish European, 0.2%; 5 homozygotes.

Submission:

PreventionGenetics, part of Exact Sciences
Classification: Likely benign for AKAP11-related condition. Last evaluated: 2022-04-06. Review status: no assertion criteria provided. Collection method: clinical testing. Allele origin: germline.
Comment: This variant is classified as likely benign based on ACMG/AMP sequence variant interpretation guidelines (Richards et al. 2015 PMID: 25741868, with internal and published modifications).

NM_016248.4(AKAP11):c.3953T>G (p.Phe1318Cys)

Gene: AKAP11 (A-kinase anchoring protein 11; plus strand). Cytogenetic location: 13q14.11.
Variant type: single nucleotide variant.
Coding change: c.3953T>G on transcript NM_016248.4 (MANE Select); coding-DNA position 3953, T replaced by G.
Protein change: p.Phe1318Cys; replaces phenylalanine 1318 with cysteine.
Molecular consequence: missense variant.
Genome position (GRCh38, 1-based): chr13:42,302,699, T>G. VCF-style: chr13-42302699-T-G. GRCh37 (hg19) VCF-style: chr13-42876835-T-G.
Other names: short protein forms F1318C.
Identifiers: ClinVar variation 3045819 (VCV003045819.2), dbSNP rs61757547, ClinGen allele CA6966707.
Genomic context (GRCh38, chr13:42,302,699, plus strand): 5'-ATAAAGTAGAAGAGAAGTTGGATATAGAGGCTGTAGTGCACCCAAGAGAAGTGGATCCGT[T>G]TATTCTTTCATTACCACCAAGTTCTTGTATGTCAGGTCTGATGTATAAGTATCCCAGCTG-3'
Protein context (NP_057332.1, residues 1308-1328): AVVHPREVDP[Phe1318Cys]ILSLPPSSCM